The following is an entry in ClinVar:

NM_004333.6(BRAF):c.2285C>T (p.Ala762Val)

Gene: BRAF (B-Raf proto-oncogene, serine/threonine kinase; minus strand). Cytogenetic location: 7q34.
Variant type: single nucleotide variant.
Coding change: c.2285C>T on transcript NM_004333.6 (MANE Select); coding-DNA position 2285, C replaced by T.
Protein change: p.Ala762Val; replaces alanine 762 with valine.
Molecular consequence: missense variant. On other transcripts: intron variant (9).
Genome position (GRCh38, 1-based): chr7:140,734,613, G>A on the plus strand (C>T on the coding strand, the complement: BRAF is on the minus strand). VCF-style: chr7-140734613-G-A. GRCh37 (hg19) VCF-style: chr7-140434413-G-A.
Other names: c.2405C>T, p.Ala802Val (NM_001374244.1); c.2219C>T, p.Ala740Val (NM_001378469.1); c.2129C>T, p.Ala710Val (NM_001378473.1); c.2127+5199C>T (NM_001378474.1, NM_001378468.1); c.2179+4C>T (NM_001378470.1); c.2017+4C>T (NM_001378475.1); c.2170+4C>T (NM_001378471.1); c.2281+4C>T (NM_001354609.2); and 3 more; short protein forms A740V, A762V, A802V, A710V.
Identifiers: ClinVar variation 2710034 (VCV002710034.3), dbSNP rs775889922, ClinGen allele CA4516516.

ClinVar aggregate classification (germline): Uncertain significance (1 of 4 stars; one submission).

Conditions:
RASopathy. Also called: rasopathies; Noonan spectrum disorder. Identifiers: Orphanet 536391, MedGen C5555857, MONDO:0021060.

Allele frequency attached by ClinVar (database versions not stated): gnomAD exomes 0.00001; ExAC 0.00002; gnomAD 0.00003; TOPMed 0.00004.
gnomAD v4.1: 20 of 1,613,438 alleles (0.0012%); highest among the groups gnomAD compares: African/African-American, 0.0027%; no homozygotes.

Submission:

Labcorp Genetics (formerly Invitae), Labcorp
Classification: Uncertain significance for RASopathy. Last evaluated: 2026-01-01. Review status: criteria provided, single submitter. Criteria: Invitae Variant Classification Sherloc (09022015). Collection method: clinical testing. Allele origin: germline.
Comment: This sequence change replaces alanine, which is neutral and non-polar, with valine, which is neutral and non-polar, at codon 762 of the BRAF protein (p.Ala762Val). This variant is present in population databases (rs775889922, gnomAD 0.004%). This variant has not been reported in the literature in individuals affected with BRAF-related conditions. ClinVar contains an entry for this variant (Variation ID: 2710034). Invitae Evidence Modeling of protein sequence and biophysical properties (such as structural, functional, and spatial information, amino acid conservation, physicochemical variation, residue mobility, and thermodynamic stability) indicates that this missense variant is not expected to disrupt BRAF protein function with a negative predictive value of 95%. In summary, the available evidence is currently insufficient to determine the role of this variant in disease. Therefore, it has been classified as a Variant of Uncertain Significance.